The following is an entry in ClinVar:

ClinVar aggregate classification (germline): Uncertain significance. Review status: criteria provided, multiple submitters, no conflicts (2 of 4 stars). 2 submissions from 2 submitters: Uncertain significance (2). Last evaluated 2025-07-28.

Conditions:
Hereditary cancer-predisposing syndrome. Also called: Tumor predisposition; Hereditary Cancer Syndrome; Neoplastic Syndromes, Hereditary; Hereditary neoplastic syndrome. Identifiers: Orphanet 140162, MedGen C0027672, MeSH D009386, MONDO:0015356.
DICER1-related tumor predisposition. Also called: DICER1-related pleuropulmonary blastoma cancer predisposition syndrome; DICER1 syndrome. Identifiers: Orphanet 284343, MedGen C3839822, MONDO:0100216.

Submissions (2):

Ambry Genetics
Classification: Uncertain significance for Hereditary cancer-predisposing syndrome. Last evaluated: 2025-07-28. Review status: criteria provided, single submitter. Criteria: Ambry Variant Classification Scheme 2023. Collection method: clinical testing. Allele origin: germline.
Comment: The p.N984K variant (also known as c.2952C>A), located in coding exon 17 of the DICER1 gene, results from a C to A substitution at nucleotide position 2952. The asparagine at codon 984 is replaced by lysine, an amino acid with similar properties. This amino acid position is conserved. In addition, this alteration is predicted to be tolerated by in silico analysis. Based on the available evidence, the clinical significance of this variant remains unclear.

Labcorp Genetics (formerly Invitae), Labcorp
Classification: Uncertain significance for DICER1-related tumor predisposition. Last evaluated: 2020-09-02. Review status: criteria provided, single submitter. Criteria: Invitae Variant Classification Sherloc (09022015). Collection method: clinical testing. Allele origin: germline.
Comment: In summary, the available evidence is currently insufficient to determine the role of this variant in disease. Therefore, it has been classified as a Variant of Uncertain Significance. Algorithms developed to predict the effect of missense changes on protein structure and function are either unavailable or do not agree on the potential impact of this missense change (SIFT: "Deleterious"; PolyPhen-2: "Benign"; Align-GVGD: "Class C25"). This variant has not been reported in the literature in individuals with DICER1-related conditions. This variant is not present in population databases (ExAC no frequency). This sequence change replaces asparagine with lysine at codon 984 of the DICER1 protein (p.Asn984Lys). The asparagine residue is highly conserved and there is a moderate physicochemical difference between asparagine and lysine.

NM_177438.3(DICER1):c.2952C>A (p.Asn984Lys)

Gene: DICER1 (dicer 1, ribonuclease III; minus strand). Cytogenetic location: 14q32.13.
Variant type: single nucleotide variant.
Coding change: c.2952C>A on transcript NM_177438.3 (MANE Select); coding-DNA position 2952, C replaced by A.
Protein change: p.Asn984Lys; replaces asparagine 984 with lysine.
Molecular consequence: missense variant.
Genome position (GRCh38, 1-based): chr14:95,106,076, G>T on the plus strand (C>A on the coding strand, the complement: DICER1 is on the minus strand). VCF-style: chr14-95106076-G-T. GRCh37 (hg19) VCF-style: chr14-95572413-G-T.
Other names: c.2952C>A (NM_177438.2); c.2952C>A, p.Asn984Lys (NM_001195573.1, NM_001271282.3, NM_001291628.2 and 1 more transcripts); short protein forms N984K.
Identifiers: ClinVar variation 1015034 (VCV001015034.11), dbSNP rs1891393548, ClinGen allele CA390878878.